The following is an entry in ClinVar:

NM_198578.4(LRRK2):c.112A>G (p.Ile38Val)

Gene: LRRK2 (leucine rich repeat kinase 2; plus strand). Cytogenetic location: 12q12.
Variant type: single nucleotide variant.
Coding change: c.112A>G on transcript NM_198578.4 (MANE Select); coding-DNA position 112, A replaced by G.
Protein change: p.Ile38Val; replaces isoleucine 38 with valine.
Molecular consequence: missense variant.
Genome position (GRCh38, 1-based): chr12:40,225,243, A>G. VCF-style: chr12-40225243-A-G. GRCh37 (hg19) VCF-style: chr12-40619045-A-G.
Other names: short protein forms I38V.
Identifiers: ClinVar variation 1727817 (VCV001727817.2), dbSNP rs2499330836, ClinGen allele CA384398610.

ClinVar aggregate classification (germline): Uncertain significance (1 of 4 stars; one submission).

Conditions:
Inborn genetic diseases. Identifiers: MedGen C0950123, MeSH D030342.

Allele frequency attached by ClinVar (database versions not stated): gnomAD exomes below 0.00001.
gnomAD v4.1: 5 of 1,614,144 alleles (0.00031%); highest among the groups gnomAD compares: South Asian, 0.0044%; no homozygotes.

Submission:

Ambry Genetics
Classification: Uncertain significance for Inborn genetic diseases. Last evaluated: 2022-10-14. Review status: criteria provided, single submitter. Criteria: Ambry Variant Classification Scheme 2023. Collection method: clinical testing. Allele origin: germline.
Comment: The p.I38V variant (also known as c.112A>G), located in coding exon 1 of the LRRK2 gene, results from an A to G substitution at nucleotide position 112. The isoleucine at codon 38 is replaced by valine, an amino acid with highly similar properties. This amino acid position is conserved. In addition, this alteration is predicted to be tolerated by in silico analysis. Since supporting evidence is limited at this time, the clinical significance of this alteration remains unclear.